The following is an entry in ClinVar:

NM_001171.6(ABCC6):c.4123C>T (p.Leu1375=)

Gene: ABCC6 (ATP binding cassette subfamily C member 6; minus strand). Cytogenetic location: 16p13.11.
Variant type: single nucleotide variant.
Coding change: c.4123C>T on transcript NM_001171.6 (MANE Select); coding-DNA position 4123, C replaced by T.
Protein change: p.Leu1375=; no amino-acid change (leucine 1375 retained).
Molecular consequence: synonymous variant. On other transcripts: non-coding transcript variant (1).
Genome position (GRCh38, 1-based): chr16:16,154,713, G>A on the plus strand (C>T on the coding strand, the complement: ABCC6 is on the minus strand). VCF-style: chr16-16154713-G-A. GRCh37 (hg19) VCF-style: chr16-16248570-G-A.
Other names: c.3781C>T, p.Leu1261= (NM_001351800.1).
Identifiers: ClinVar variation 3057969 (VCV003057969.2), dbSNP rs756191351, ClinGen allele CA7925308.

ClinVar aggregate classification (germline): Likely benign (0 of 4 stars; one submission).

Conditions:
ABCC6-related disorder. Also called: ABCC6-related condition.

Allele frequency attached by ClinVar (database versions not stated): gnomAD exomes below 0.00001; ExAC 0.00001.
gnomAD v4.1: 1 of 1,613,616 alleles (0.000062%); highest among the groups gnomAD compares: Non-Finnish European, 0.000085%; no homozygotes.

Submission:

PreventionGenetics, part of Exact Sciences
Classification: Likely benign for ABCC6-related condition. Last evaluated: 2019-03-20. Review status: no assertion criteria provided. Collection method: clinical testing. Allele origin: germline.
Comment: This variant is classified as likely benign based on ACMG/AMP sequence variant interpretation guidelines (Richards et al. 2015 PMID: 25741868, with internal and published modifications).